The following is an entry in ClinVar:

NM_006269.2(RP1):c.2170G>A (p.Gly724Arg)

Gene: RP1 (RP1 axonemal microtubule associated; plus strand). Cytogenetic location: 8q12.1.
Variant type: single nucleotide variant.
Coding change: c.2170G>A on transcript NM_006269.2 (MANE Select); coding-DNA position 2170, G replaced by A.
Protein change: p.Gly724Arg; replaces glycine 724 with arginine.
Molecular consequence: missense variant. On other transcripts: intron variant (1).
Genome position (GRCh38, 1-based): chr8:54,626,052, G>A. VCF-style: chr8-54626052-G-A. GRCh37 (hg19) VCF-style: chr8-55538612-G-A.
Other names: c.787+3764G>A (NM_001375654.1); short protein forms G724R.
Identifiers: ClinVar variation 2806487 (VCV002806487.3), dbSNP rs2536573553, ClinGen allele CA370992885.
Genomic context (GRCh38, chr8:54,626,052, plus strand): 5'-ACAAAAGGTAGAATTACAAAGGAAATGATAGTGCAAGATTCAGATAGTCCCCTTAAAGGA[G>A]GGATACTTTGTGAGGAAGACCTCCAGAAAAGTGATACTGTAATTGAATCAAATACTTTTT-3'
Protein context (NP_006260.1, residues 714-734): VQDSDSPLKG[Gly724Arg]ILCEEDLQKS

ClinVar aggregate classification (germline): Uncertain significance (1 of 4 stars; one submission).

Submission:

Labcorp Genetics (formerly Invitae), Labcorp
Classification: Uncertain significance. Last evaluated: 2022-10-07. Review status: criteria provided, single submitter. Criteria: Invitae Variant Classification Sherloc (09022015). Collection method: clinical testing. Allele origin: germline.
Comment: In summary, the available evidence is currently insufficient to determine the role of this variant in disease. Therefore, it has been classified as a Variant of Uncertain Significance. Algorithms developed to predict the effect of missense changes on protein structure and function output the following: SIFT: "Tolerated"; PolyPhen-2: "Benign"; Align-GVGD: "Class C0". The arginine amino acid residue is found in multiple mammalian species, which suggests that this missense change does not adversely affect protein function. This variant has not been reported in the literature in individuals affected with RP1-related conditions. This variant is not present in population databases (gnomAD no frequency). This sequence change replaces glycine, which is neutral and non-polar, with arginine, which is basic and polar, at codon 724 of the RP1 protein (p.Gly724Arg).